The following is an entry in ClinVar:

ClinVar aggregate classification (germline): Benign (1 of 4 stars; one submission).

Conditions:
Familial cancer of breast. Also called: hereditary breast carcinoma; Hereditary breast cancer; BREAST CANCER, FAMILIAL. Identifiers: Orphanet 227535, MedGen C0346153, MONDO:0016419, OMIM 114480. Disease mechanism: loss of function.

gnomAD v4.1: 1 of 1,613,714 alleles (0.000062%); highest among the groups gnomAD compares: Non-Finnish European, 0.000085%; no homozygotes.

Submission:

Myriad Genetics, Inc.
Classification: Benign for Familial cancer of breast. Last evaluated: 2024-08-21. Review status: criteria provided, single submitter. Criteria: Myriad Autosomal Dominant, Autosomal Recessive and X-Linked Classification Criteria (2023). Collection method: clinical testing. Allele origin: unknown.
Comment: This variant is considered benign. This variant is a silent/synonymous amino acid change and it is not expected to impact splicing.

NM_032043.3(BRIP1):c.540A>G (p.Val180=)

Gene: BRIP1 (BRCA1 interacting DNA helicase 1; minus strand). Cytogenetic location: 17q23.2.
Variant type: single nucleotide variant.
Coding change: c.540A>G on transcript NM_032043.3 (MANE Select); coding-DNA position 540, A replaced by G.
Protein change: p.Val180=; no amino-acid change (valine 180 retained).
Molecular consequence: synonymous variant.
Genome position (GRCh38, 1-based): chr17:61,847,188, T>C on the plus strand (A>G on the coding strand, the complement: BRIP1 is on the minus strand). VCF-style: chr17-61847188-T-C. GRCh37 (hg19) VCF-style: chr17-59924549-T-C.
Identifiers: ClinVar variation 3378416 (VCV003378416.1).